The following is an entry in ClinVar:

ClinVar aggregate classification (germline): Uncertain significance (1 of 4 stars; one submission).

Allele frequency attached by ClinVar (database versions not stated): ExAC 0.00001; gnomAD exomes 0.00001.
gnomAD v4.1: 5 of 1,613,632 alleles (0.00031%); highest among the groups gnomAD compares: Admixed American, 0.0017%; no homozygotes.

Submission:

CeGaT Center for Human Genetics Tuebingen
Classification: Uncertain significance. Last evaluated: 2024-02-01. Review status: criteria provided, single submitter. Criteria: CeGaT Center For Human Genetics Tuebingen Variant Classification Criteria Version 2. Collection method: clinical testing. Allele origin: germline. Affected: yes. Observed: 1 variant allele.
Comment: COL1A2: PM1, PM2

NM_000089.4(COL1A2):c.125G>A (p.Gly42Glu)

Gene: COL1A2 (collagen type I alpha 2 chain; plus strand). Cytogenetic location: 7q21.3.
Variant type: single nucleotide variant.
Coding change: c.125G>A on transcript NM_000089.4 (MANE Select); coding-DNA position 125, G replaced by A.
Protein change: p.Gly42Glu; replaces glycine 42 with glutamic acid.
Molecular consequence: missense variant.
Genome position (GRCh38, 1-based): chr7:94,399,077, G>A. VCF-style: chr7-94399077-G-A. GRCh37 (hg19) VCF-style: chr7-94028389-G-A.
Other names: short protein forms G42E.
Identifiers: ClinVar variation 3026184 (VCV003026184.22), dbSNP rs762706669, ClinGen allele CA4346493.